The following is an entry in ClinVar:

Single allele

Genes: ABHD13 (abhydrolase domain containing 13; plus strand), ADPRHL1 (ADP-ribosylhydrolase like 1; minus strand), ANKRD10 (ankyrin repeat domain 10; minus strand), ANKRD10-IT1 (ANKRD10 intronic transcript 1), ARGLU1 (arginine and glutamate rich 1; minus strand) and 52 more. Cytogenetic location: 13q33.1-34.
Variant type: Deletion.
Identifiers: ClinVar variation 981484 (VCV000981484.1).

ClinVar aggregate classification (germline): Pathogenic (1 of 4 stars; one submission).

Submission:

Rady Children's Institute for Genomic Medicine, Rady Children's Hospital San Diego
Classification: Pathogenic. Last evaluated: 2019-09-16. Review status: criteria provided, single submitter. Criteria: ACMG CNV Guidelines, 2011. Collection method: clinical testing. Allele origin: germline. Affected: yes.
Comment: On the basis of this evidence, the 12.9 MB deletion was classified as Pathogenic.